The following is an entry in ClinVar:

ClinVar aggregate classification (germline): Uncertain significance. Review status: criteria provided, multiple submitters, no conflicts (2 of 4 stars). 4 submissions from 4 submitters: Uncertain significance (4). Last evaluated 2025-10-27.

Conditions:
PRX-related disorder. Also called: PRX-Related Disorders; PRX-related condition.
Inborn genetic diseases. Identifiers: MedGen C0950123, MeSH D030342.
Charcot-Marie-Tooth disease type 4. Also called: Charcot-Marie-Tooth disease, type IV; Charcot-Marie-Tooth, Type 4. Identifiers: Orphanet 64749, MedGen C4082197, MONDO:0018995.
Charcot-Marie-Tooth disease type 4F. Also called: Charcot-Marie-Tooth disease, demyelinating, type 4F. Identifiers: Orphanet 99952, MedGen C3540453, MONDO:0013959, OMIM 614895.

Allele frequency attached by ClinVar (database versions not stated): TOPMed 0.00006; 1000 Genomes Project 0.00020; 1000 Genomes Project 30x 0.00031.

Submissions (4):

PreventionGenetics, part of Exact Sciences
Classification: Uncertain significance for PRX-related condition. Last evaluated: 2025-10-27. Review status: criteria provided, single submitter. Criteria: ACMG Guidelines, 2015. Collection method: clinical testing. Allele origin: germline.
Comment: The PRX c.4171C>G variant is predicted to result in the amino acid substitution p.Arg1391Gly. To our knowledge, this variant has not been reported in the literature. This variant is reported in 0.025% of alleles in individuals of African descent in gnomAD. At this time, the clinical significance of this variant is uncertain due to the absence of conclusive functional and genetic evidence.

Ambry Genetics
Classification: Uncertain significance for Inborn genetic diseases. Last evaluated: 2025-04-30. Review status: criteria provided, single submitter. Criteria: Ambry Variant Classification Scheme 2023. Collection method: clinical testing. Allele origin: germline.

Labcorp Genetics (formerly Invitae), Labcorp
Classification: Uncertain significance for Charcot-Marie-Tooth disease type 4. Last evaluated: 2022-04-07. Review status: criteria provided, single submitter. Criteria: Invitae Variant Classification Sherloc (09022015). Collection method: clinical testing. Allele origin: germline.
Comment: This sequence change replaces arginine, which is basic and polar, with glycine, which is neutral and non-polar, at codon 1391 of the PRX protein (p.Arg1391Gly). This variant is present in population databases (rs369072136, gnomAD 0.03%). This variant has not been reported in the literature in individuals affected with PRX-related conditions. ClinVar contains an entry for this variant (Variation ID: 242185). Algorithms developed to predict the effect of missense changes on protein structure and function (SIFT, PolyPhen-2, Align-GVGD) all suggest that this variant is likely to be tolerated. In summary, the available evidence is currently insufficient to determine the role of this variant in disease. Therefore, it has been classified as a Variant of Uncertain Significance.

Illumina Laboratory Services, Illumina
Classification: Uncertain significance for Charcot-Marie-Tooth disease type 4F. Last evaluated: 2018-01-13. Review status: criteria provided, single submitter. Criteria: ICSL Variant Classification Criteria 13 December 2019. Collection method: clinical testing. Allele origin: germline.

NM_181882.3(PRX):c.4171C>G (p.Arg1391Gly)

Gene: PRX (periaxin; minus strand). Cytogenetic location: 19q13.2.
Variant type: single nucleotide variant.
Coding change: c.4171C>G on transcript NM_181882.3 (MANE Select); coding-DNA position 4171, C replaced by G.
Protein change: p.Arg1391Gly; replaces arginine 1391 with glycine.
Molecular consequence: missense variant. On other transcripts: 3 prime UTR variant (1).
Genome position (GRCh38, 1-based): chr19:40,394,181, G>C on the plus strand (C>G on the coding strand, the complement: PRX is on the minus strand). VCF-style: chr19-40394181-G-C. GRCh37 (hg19) VCF-style: chr19-40900088-G-C.
Other names: c.*4376C>G (NM_020956.2); short protein forms R1391G.
Identifiers: ClinVar variation 242185 (VCV000242185.12), dbSNP rs369072136, ClinGen allele CA9443674.
Genomic context (GRCh38, chr19:40,394,181, plus strand): 5'-GGAACTTGGGTGACTTCTCTCTGACGGGGGACTTGGGGGCTGCATCGCCCTCCTGCCCCC[G>C]AGAGGCTTTAGAAGGGGCCGCCAGGCCTACACGTGGCAAGCGGACCCGGACCCGGCCCCG-3'
Protein context (NP_870998.2, residues 1381-1401): VGLAAPSKAS[Arg1391Gly]GQEGDAAPKS